The following is an entry in ClinVar:

ClinVar aggregate classification (germline): Uncertain significance (1 of 4 stars; one submission).

Submission:

GeneDx
Classification: Uncertain significance. Last evaluated: 2022-12-27. Review status: criteria provided, single submitter. Criteria: GeneDx Variant Classification Process June 2021. Collection method: clinical testing. Allele origin: germline. Affected: yes.
Comment: Not observed at significant frequency in large population cohorts (gnomAD); In silico analysis supports that this missense variant has a deleterious effect on protein structure/function; Has not been previously published as pathogenic or benign to our knowledge

NM_002547.3(OPHN1):c.850T>G (p.Trp284Gly)

Gene: OPHN1 (oligophrenin 1; minus strand). Cytogenetic location: Xq12.
Variant type: single nucleotide variant.
Coding change: c.850T>G on transcript NM_002547.3 (MANE Select); coding-DNA position 850, T replaced by G.
Protein change: p.Trp284Gly; replaces tryptophan 284 with glycine.
Molecular consequence: missense variant.
Genome position (GRCh38, 1-based): chrX:68,206,656, A>C on the plus strand (T>G on the coding strand, the complement: OPHN1 is on the minus strand). VCF-style: chrX-68206656-A-C. GRCh37 (hg19) VCF-style: chrX-67426498-A-C.
Other names: short protein forms W284G.
Identifiers: ClinVar variation 2507054 (VCV002507054.1), dbSNP rs2519799439, ClinGen allele CA413433697.